The following is an entry in ClinVar:

NM_000081.4(LYST):c.7916T>A (p.Leu2639His)

Gene: LYST (lysosomal trafficking regulator; minus strand). Cytogenetic location: 1q42.3.
Variant type: single nucleotide variant.
Coding change: c.7916T>A on transcript NM_000081.4 (MANE Select); coding-DNA position 7916, T replaced by A.
Protein change: p.Leu2639His; replaces leucine 2639 with histidine.
Molecular consequence: missense variant.
Genome position (GRCh38, 1-based): chr1:235,746,392, A>T on the plus strand (T>A on the coding strand, the complement: LYST is on the minus strand). VCF-style: chr1-235746392-A-T. GRCh37 (hg19) VCF-style: chr1-235909692-A-T.
Other names: c.7916T>A, p.Leu2639His (NM_001301365.1); short protein forms L2639H.
Identifiers: ClinVar variation 1445598 (VCV001445598.7), dbSNP rs915990956, ClinGen allele CA39607825.

ClinVar aggregate classification (germline): Uncertain significance (1 of 4 stars; one submission).

Conditions:
Chédiak-Higashi syndrome (CHS). Also called: Chediak-Higashi Syndrome. Identifiers: Orphanet 167, MedGen C0007965, MONDO:0008963, OMIM 214500.

gnomAD v4.1: 4 of 1,613,970 alleles (0.00025%); highest among the groups gnomAD compares: Non-Finnish European, 0.00034%; no homozygotes.

Submission:

Labcorp Genetics (formerly Invitae), Labcorp
Classification: Uncertain significance for Chédiak-Higashi syndrome. Last evaluated: 2022-04-04. Review status: criteria provided, single submitter. Criteria: Invitae Variant Classification Sherloc (09022015). Collection method: clinical testing. Allele origin: germline.
Comment: This sequence change replaces leucine, which is neutral and non-polar, with histidine, which is basic and polar, at codon 2639 of the LYST protein (p.Leu2639His). This variant is not present in population databases (gnomAD no frequency). This variant has not been reported in the literature in individuals affected with LYST-related conditions. Algorithms developed to predict the effect of missense changes on protein structure and function are either unavailable or do not agree on the potential impact of this missense change (SIFT: "Deleterious"; PolyPhen-2: "Probably Damaging"; Align-GVGD: "Class C0"). In summary, the available evidence is currently insufficient to determine the role of this variant in disease. Therefore, it has been classified as a Variant of Uncertain Significance.